The following is an entry in ClinVar:

ClinVar aggregate classification (germline): Likely pathogenic (1 of 4 stars; one submission).

Conditions:
Duchenne muscular dystrophy (DMD). Also called: Duchenne Muscular Dystrophy (DMD); MUSCULAR DYSTROPHY, PSEUDOHYPERTROPHIC PROGRESSIVE, DUCHENNE TYPE. Identifiers: Orphanet 98896, MedGen C0013264, MONDO:0010679, OMIM 310200.

Submission:

Labcorp Genetics (formerly Invitae), Labcorp
Classification: Likely pathogenic for Duchenne muscular dystrophy. Last evaluated: 2021-12-19. Review status: criteria provided, single submitter. Criteria: Invitae Variant Classification Sherloc (09022015). Collection method: clinical testing. Allele origin: germline.
Comment: This variant results in a copy number gain of the genomic region encompassing exon(s) 61-74 of the DMD gene. While the exact position of this variant cannot be determined from the data, sub-genic copy number gains are generally in tandem (PMID: 25640679). This variant is predicted to be out-of-frame, and may result in an absent or disrupted protein product. Loss-of-function variants in DMD are known to be pathogenic (PMID: 16770791, 25007885). A similar copy number variant has been observed in individual(s) with clinical features of DMD-related dystrophinopathies (Invitae). In summary, the currently available evidence indicates that the variant is pathogenic, but additional data are needed to prove that conclusively. Therefore, this variant has been classified as Likely Pathogenic.

Literature cited by the submitters: PubMed 25640679; PubMed 16770791; PubMed 25007885.

NC_000023.10:g.(?_31187540)_(31366771_?)dup

Gene: DMD (dystrophin; minus strand). Cytogenetic location: Xp21.2.
Variant type: Duplication.
Identifiers: ClinVar variation 2424865 (VCV002424865.2).